The following is an entry in ClinVar:

ClinVar aggregate classification (germline): Uncertain significance (1 of 4 stars; one submission).

Allele frequency attached by ClinVar (database versions not stated): ExAC 0.00002; gnomAD exomes 0.00001 and below 0.00001; TOPMed 0.00001.
gnomAD v4.1: 2 of 1,613,756 alleles (0.00012%); highest among the groups gnomAD compares: East Asian, 0.0045%; no homozygotes.

Submission:

Labcorp Genetics (formerly Invitae), Labcorp
Classification: Uncertain significance. Last evaluated: 2024-04-25. Review status: criteria provided, single submitter. Criteria: Invitae Variant Classification Sherloc (09022015). Collection method: clinical testing. Allele origin: germline.
Comment: This sequence change replaces asparagine, which is neutral and polar, with serine, which is neutral and polar, at codon 1933 of the PCDH15 protein (p.Asn1933Ser). This variant is present in population databases (rs761347698, gnomAD 0.006%). This variant has not been reported in the literature in individuals affected with PCDH15-related conditions. ClinVar contains an entry for this variant (Variation ID: 1497147). Algorithms developed to predict the effect of missense changes on protein structure and function output the following: SIFT: "Not Available"; PolyPhen-2: "Not Available"; Align-GVGD: "Not Available". The serine amino acid residue is found in multiple mammalian species, which suggests that this missense change does not adversely affect protein function. In summary, the available evidence is currently insufficient to determine the role of this variant in disease. Therefore, it has been classified as a Variant of Uncertain Significance.

NM_033056.4(PCDH15):c.5798A>G (p.Asn1933Ser)

Gene: PCDH15 (protocadherin related 15; minus strand). Cytogenetic location: 10q21.1.
Variant type: single nucleotide variant.
Coding change: c.5798A>G on transcript NM_033056.4 (MANE Plus Clinical); coding-DNA position 5798, A replaced by G.
Protein change: p.Asn1933Ser; replaces asparagine 1933 with serine.
Molecular consequence: missense variant. On other transcripts: intron variant (8).
Genome position (GRCh38, 1-based): chr10:53,821,928, T>C on the plus strand (A>G on the coding strand, the complement: PCDH15 is on the minus strand). VCF-style: chr10-53821928-T-C. GRCh37 (hg19) VCF-style: chr10-55581688-T-C.
Other names: c.4368-3915A>G (NM_001354429.2); c.4368-1698A>G (NM_001384140.1); c.4373+3208A>G (NM_001142772.2, NM_001142770.3); c.4388+3208A>G (NM_001142771.2); c.4388+5465A>G (NM_001354411.2); c.4409+3208A>G (NM_001142769.3); c.5819A>G, p.Asn1940Ser (NM_001142763.2); c.5804A>G, p.Asn1935Ser (NM_001142764.2); and 7 more; short protein forms N1893S, N1864S, N1933S, N1935S, N1911S, N1910S, N1913S, N1930S.
Identifiers: ClinVar variation 1497147 (VCV001497147.5), dbSNP rs761347698, ClinGen allele CA5504960.